The following is an entry in ClinVar:

NM_021098.3(CACNA1H):c.4768C>G (p.Pro1590Ala)

Gene: CACNA1H (calcium voltage-gated channel subunit alpha1 H; plus strand). Cytogenetic location: 16p13.3.
Variant type: single nucleotide variant.
Coding change: c.4768C>G on transcript NM_021098.3 (MANE Select); coding-DNA position 4768, C replaced by G.
Protein change: p.Pro1590Ala; replaces proline 1590 with alanine.
Molecular consequence: missense variant. On other transcripts: intron variant (1).
Genome position (GRCh38, 1-based): chr16:1,212,519, C>G. VCF-style: chr16-1212519-C-G. GRCh37 (hg19) VCF-style: chr16-1262519-C-G.
Other names: c.4759+381C>G (NM_001005407.2); short protein forms P1590A.
Identifiers: ClinVar variation 3343644 (VCV003343644.1).

ClinVar aggregate classification (germline): Uncertain significance (1 of 4 stars; one submission).

gnomAD v4.1: 1 of 1,611,212 alleles (0.000062%); no homozygotes.

Submission:

GeneDx
Classification: Uncertain significance. Last evaluated: 2023-05-17. Review status: criteria provided, single submitter. Criteria: GeneDx Variant Classification Process June 2021. Collection method: clinical testing. Allele origin: germline. Affected: yes.
Comment: Not observed at significant frequency in large population cohorts (gnomAD); In silico analysis supports that this missense variant does not alter protein structure/function; Has not been previously published as pathogenic or benign to our knowledge